The following is an entry in ClinVar:

ClinVar aggregate classification (germline): Uncertain significance (1 of 4 stars; one submission).

Conditions:
Cardiovascular phenotype. Identifiers: MedGen CN230736.
Hereditary cancer-predisposing syndrome. Also called: Tumor predisposition; Hereditary Cancer Syndrome; Neoplastic Syndromes, Hereditary; Hereditary neoplastic syndrome. Identifiers: Orphanet 140162, MedGen C0027672, MeSH D009386, MONDO:0015356.

Submission:

Ambry Genetics
Classification: Uncertain significance for Cardiovascular phenotype; Hereditary cancer-predisposing syndrome. Last evaluated: 2018-02-14. Review status: criteria provided, single submitter. Criteria: Ambry Variant Classification Scheme 2023. Collection method: clinical testing. Allele origin: germline.
Comment: The p.T107R variant (also known as c.320C>G), located in coding exon 4 of the NF1 gene, results from a C to G substitution at nucleotide position 320. The threonine at codon 107 is replaced by arginine, an amino acid with similar properties. This amino acid position is well conserved in available vertebrate species. In addition, this alteration is predicted to be deleterious by in silico analysis. Since supporting evidence is limited at this time, the clinical significance of this alteration remains unclear.

NM_001042492.3(NF1):c.320C>G (p.Thr107Arg)

Gene: NF1 (neurofibromin 1; plus strand). Cytogenetic location: 17q11.2.
Variant type: single nucleotide variant.
Coding change: c.320C>G on transcript NM_001042492.3 (MANE Select); coding-DNA position 320, C replaced by G.
Protein change: p.Thr107Arg; replaces threonine 107 with arginine.
Molecular consequence: missense variant.
Genome position (GRCh38, 1-based): chr17:31,163,217, C>G. VCF-style: chr17-31163217-C-G. GRCh37 (hg19) VCF-style: chr17-29490235-C-G.
Other names: c.320C>G, p.Thr107Arg (NM_000267.4, NM_001128147.3); short protein forms T107R.
Identifiers: ClinVar variation 823197 (VCV000823197.4), dbSNP rs1567817857, ClinGen allele CA398981697.
Genomic context (GRCh38, chr17:31,163,217, plus strand): 5'-TTAGAATAATGTGATTATTTCTATTTTAGCAACCAAAGGACACAATGAGATTAGATGAAA[C>G]GATGCTGGTCAAACAGTTGCTGCCAGAAATCTGCCATTTTCTTCACACCTGTCGTGAAGG-3'
Protein context (NP_001035957.1, residues 97-117): QPKDTMRLDE[Thr107Arg]MLVKQLLPEI